The following is an entry in ClinVar:

ClinVar aggregate classification (germline): Pathogenic (1 of 4 stars; one submission).

Conditions:
Glycogen storage disease, type IV (GSD4). Also called: AMYLOPECTINOSIS; ANDERSEN DISEASE; BRANCHER DEFICIENCY; CIRRHOSIS, FAMILIAL, WITH DEPOSITION OF ABNORMAL GLYCOGEN; GBE1 DEFICIENCY; GLYCOGEN BRANCHING ENZYME DEFICIENCY. Identifiers: Orphanet 367, MedGen C0017923, MONDO:0009292, OMIM 232500.

Submission:

Myriad Genetics, Inc.
Classification: Pathogenic for Glycogen storage disease, type IV. Last evaluated: 2024-05-14. Review status: criteria provided, single submitter. Criteria: Myriad Autosomal Dominant, Autosomal Recessive and X-Linked Classification Criteria (2023). Collection method: clinical testing. Allele origin: unknown.
Comment: NM_000158.3(GBE1):c.541_547del7ins5(E181Tfs*4) is expected to be pathogenic in the context of glycogen storage disease, GBE1-related. This variant is predicted to lead to an abnormal or absent protein product due to the creation of a premature termination codon in GBE1, a gene where loss-of-function variants are known to be pathogenic. Please note: this variant was assessed in the context of healthy population screening.

NM_000158.4(GBE1):c.541_547delinsACACA (p.Glu181fs)

Gene: GBE1 (1,4-alpha-glucan branching enzyme 1; minus strand). Cytogenetic location: 3p12.2.
Variant type: Indel.
Coding change: c.541_547delinsACACA on transcript NM_000158.4 (MANE Select); coding-DNA positions 541 to 547, GAACACT replaced by ACACA.
Protein change: p.Glu181fs; shifts the reading frame from glutamic acid 181.
Molecular consequence: frameshift variant.
Genome position (GRCh38, 1-based): chr3:81,649,804-81,649,810, AGTGTTC replaced by TGTGT on the plus strand (GAACACT replaced by ACACA on the coding strand, the reverse complement: GBE1 is on the minus strand). VCF-style: chr3-81649804-AGTGTTC-TGTGT. GRCh37 (hg19) VCF-style: chr3-81698955-AGTGTTC-TGTGT.
Other names: short protein forms E181fs.
Identifiers: ClinVar variation 5010812 (VCV005010812.1).
Genomic context (GRCh38, chr3:81,649,804, plus strand): 5'-CTTTCCTAGAAATATTGGAACAATAATTTATTTAAAGATTTGTTGTTCTCACCTCATATG[AGTGTTC>TGTGT]TGGATCCCAGTGTATCCAATCATAATTCACATTATCACCTTCACGAACCACATACTTTGC-3'